The following is an entry in ClinVar:

ClinVar aggregate classification (germline): Uncertain significance (1 of 4 stars; one submission).

gnomAD v4.1: 3 of 1,611,514 alleles (0.00019%); highest among the groups gnomAD compares: South Asian, 0.0011%; no homozygotes.

Submission:

Labcorp Genetics (formerly Invitae), Labcorp
Classification: Uncertain significance. Last evaluated: 2025-07-27. Review status: criteria provided, single submitter. Criteria: Invitae Variant Classification Sherloc (09022015). Collection method: clinical testing. Allele origin: germline.
Comment: This sequence change replaces alanine, which is neutral and non-polar, with proline, which is neutral and non-polar, at codon 731 of the MKL1 protein (p.Ala731Pro). This variant is present in population databases (rs774149984, gnomAD 0.003%). This variant has not been reported in the literature in individuals affected with MKL1-related conditions. An algorithm developed to predict the effect of missense changes on protein structure and function (PolyPhen-2) suggests that this variant is likely to be disruptive. In summary, the available evidence is currently insufficient to determine the role of this variant in disease. Therefore, it has been classified as a Variant of Uncertain Significance.

NM_020831.6(MRTFA):c.2491G>C (p.Ala831Pro)

Gene: MRTFA (myocardin related transcription factor A; minus strand). Cytogenetic location: 22q13.1.
Variant type: single nucleotide variant.
Coding change: c.2491G>C on transcript NM_020831.6 (MANE Select); coding-DNA position 2491, G replaced by C.
Protein change: p.Ala831Pro; replaces alanine 831 with proline.
Molecular consequence: missense variant.
Genome position (GRCh38, 1-based): chr22:40,417,367, C>G on the plus strand (G>C on the coding strand, the complement: MRTFA is on the minus strand). VCF-style: chr22-40417367-C-G. GRCh37 (hg19) VCF-style: chr22-40813371-C-G.
Other names: c.2191G>C, p.Ala731Pro (NM_001282660.2); c.2341G>C, p.Ala781Pro (NM_001282661.3); c.2491G>C, p.Ala831Pro (NM_001282662.3); c.2296G>C, p.Ala766Pro (NM_001318139.2); short protein forms A781P, A831P, A731P, A766P.
Identifiers: ClinVar variation 4761693 (VCV004761693.1).